The following is an entry in ClinVar:

ClinVar aggregate classification (germline): Likely benign (1 of 4 stars; one submission).

Conditions:
Arterial tortuosity syndrome (ATORS). Identifiers: Orphanet 3342, MedGen C1859726, MONDO:0008818, OMIM 208050.

Allele frequency attached by ClinVar (database versions not stated): gnomAD below 0.00001 and 0.00031; TOPMed 0.00005; 1000 Genomes Project 30x 0.00172; 1000 Genomes Project 0.00180.

Submission:

Illumina Laboratory Services, Illumina
Classification: Likely benign for Arterial tortuosity syndrome. Last evaluated: 2018-01-13. Review status: criteria provided, single submitter. Criteria: ICSL Variant Classification Criteria 13 December 2019. Collection method: clinical testing. Allele origin: germline.
Comment: This variant was observed in the ICSL laboratory as part of a predisposition screen in an ostensibly healthy population. It had not been previously curated by ICSL or reported in the Human Gene Mutation Database (HGMD: prior to June 1st, 2018), and was therefore a candidate for classification through an automated scoring system. Utilizing variant allele frequency, disease prevalence and penetrance estimates, and inheritance mode, an automated score was calculated to assess if this variant is too frequent to cause the disease. Based on the score and internal cut-off values, a variant classified as likely benign is not then subjected to further curation. The score for this variant resulted in a classification of likely benign for this disease.

NM_030777.4(SLC2A10):c.*1141G>A

Gene: SLC2A10 (solute carrier family 2 member 10; plus strand). Cytogenetic location: 20q13.12.
Variant type: single nucleotide variant.
Coding change: c.*1141G>A on transcript NM_030777.4 (MANE Select); 1141 bases downstream of the stop codon, G replaced by A.
Molecular consequence: 3 prime UTR variant.
Genome position (GRCh38, 1-based): chr20:46,734,975, G>A. VCF-style: chr20-46734975-G-A. GRCh37 (hg19) VCF-style: chr20-45363614-G-A.
Identifiers: ClinVar variation 899116 (VCV000899116.4), dbSNP rs571798872, ClinGen allele CA315761620.